The following is an entry in ClinVar:

ClinVar aggregate classification (germline): Uncertain significance (0 of 4 stars; one submission).

Conditions:
CSF1R-related disorder. Also called: CSF1R-related condition. Identifiers: MedGen CN379780, MONDO:0100632.

Submission:

PreventionGenetics, part of Exact Sciences
Classification: Uncertain significance for CSF1R-related condition. Last evaluated: 2023-12-21. Review status: no assertion criteria provided. Collection method: clinical testing. Allele origin: germline.
Comment: The CSF1R c.306dupA variant is predicted to result in a frameshift and premature protein termination (p.Asp103Argfs*128). To our knowledge, this variant has not been reported in the literature. This variant is reported in 0.0016% of alleles in individuals of European (Non-Finnish) descent in gnomAD. Although we suspect that this variant may be pathogenic, at this time, the clinical significance of this variant is uncertain due to the absence of conclusive functional and genetic evidence.

NM_001288705.3(CSF1R):c.306dup (p.Asp103fs)

Gene: CSF1R (colony stimulating factor 1 receptor; minus strand). Cytogenetic location: 5q32.
Variant type: Duplication.
Coding change: c.306dup on transcript NM_001288705.3 (MANE Select); coding-DNA position 306, one base duplicated (A; older notation c.306dupA).
Protein change: p.Asp103fs; shifts the reading frame from aspartic acid 103.
Molecular consequence: frameshift variant. On other transcripts: 5 prime UTR variant (1), non-coding transcript variant (2).
Genome position (GRCh38, 1-based): chr5:150,080,768, T duplicated on the plus strand (A on the coding strand, the reverse complement: CSF1R is on the minus strand); the first of 3 consecutive T bases (chr5:150,080,768-150,080,770); duplicating any one gives the same sequence. VCF-style (leftmost placement, unchanged base first): chr5-150080767-C-CT. GRCh37 (hg19) VCF-style: chr5-149460330-C-CT.
Other names: c.306dup, p.Asp103fs (NM_001349736.2, NM_001375320.1, NM_005211.4); c.-139dup (NM_001375321.1); short protein forms D103fs.
Identifiers: ClinVar variation 3029982 (VCV003029982.2), dbSNP rs1174839548, ClinGen allele CA563956242.
Genomic context (GRCh38, chr5:150,080,767, plus strand): 5'-GGCCCATTGTAGTGGGGCCTGCCGGGTCAGGCCTCTTGGGAGGAGGCTCAGACTCCTCAC[C>CT]TTTGACATAGAGGTGGATGGCGGCGCTGCCTCCCAGGGGGTCTCCAGGCTCAGTGCAGCG-3'